The following is an entry in ClinVar:

NM_004385.5(VCAN):c.1509A>T (p.Glu503Asp)

Gene: VCAN (versican; plus strand). Cytogenetic location: 5q14.3.
Variant type: single nucleotide variant.
Coding change: c.1509A>T on transcript NM_004385.5 (MANE Select); coding-DNA position 1509, A replaced by T.
Protein change: p.Glu503Asp; replaces glutamic acid 503 with aspartic acid.
Molecular consequence: missense variant. On other transcripts: intron variant (2).
Genome position (GRCh38, 1-based): chr5:83,519,815, A>T. VCF-style: chr5-83519815-A-T. GRCh37 (hg19) VCF-style: chr5-82815634-A-T.
Other names: c.1509A>T, p.Glu503Asp (NM_001164098.2); c.1042+7419A>T (NM_001164097.2, NM_001126336.3); c.1509A>T (NM_004385.4); short protein forms E503D.
Identifiers: ClinVar variation 1366667 (VCV001366667.8), dbSNP rs372778379, ClinGen allele CA3332690.

ClinVar aggregate classification (germline): Uncertain significance. Review status: criteria provided, multiple submitters, no conflicts (2 of 4 stars). 3 submissions from 3 submitters: Uncertain significance (3). Last evaluated 2024-12-14.

Conditions:
Inborn genetic diseases. Identifiers: MedGen C0950123, MeSH D030342.

gnomAD v4.1: 53 of 1,614,054 alleles (0.0033%); highest among the groups gnomAD compares: South Asian, 0.056%; 1 homozygote.

Submissions (3):

Ambry Genetics
Classification: Uncertain significance for Inborn genetic diseases. Last evaluated: 2024-12-14. Review status: criteria provided, single submitter. Criteria: Ambry Variant Classification Scheme 2023. Collection method: clinical testing. Allele origin: germline.

Blueprint Genetics
Classification: Uncertain significance. Last evaluated: 2024-10-28. Review status: criteria provided, single submitter. Criteria: ACMG Guidelines, 2015. Collection method: clinical testing. Allele origin: germline.

Labcorp Genetics (formerly Invitae), Labcorp
Classification: Uncertain significance. Last evaluated: 2024-09-18. Review status: criteria provided, single submitter. Criteria: Invitae Variant Classification Sherloc (09022015). Collection method: clinical testing. Allele origin: germline.
Comment: This sequence change replaces glutamic acid, which is acidic and polar, with aspartic acid, which is acidic and polar, at codon 503 of the VCAN protein (p.Glu503Asp). This variant is present in population databases (rs372778379, gnomAD 0.04%). This variant has not been reported in the literature in individuals affected with VCAN-related conditions. ClinVar contains an entry for this variant (Variation ID: 1366667). An algorithm developed to predict the effect of missense changes on protein structure and function (PolyPhen-2) suggests that this variant is likely to be disruptive. In summary, the available evidence is currently insufficient to determine the role of this variant in disease. Therefore, it has been classified as a Variant of Uncertain Significance.